The following is an entry in ClinVar:

ClinVar aggregate classification (germline): Uncertain significance (1 of 4 stars; one submission).

gnomAD v4.1: 1 of 1,613,376 alleles (0.000062%); highest among the groups gnomAD compares: Non-Finnish European, 0.000085%; no homozygotes.

Submission:

Labcorp Genetics (formerly Invitae), Labcorp
Classification: Uncertain significance. Last evaluated: 2024-02-16. Review status: criteria provided, single submitter. Criteria: Invitae Variant Classification Sherloc (09022015). Collection method: clinical testing. Allele origin: germline.
Comment: This sequence change replaces cysteine, which is neutral and slightly polar, with tyrosine, which is neutral and polar, at codon 902 of the CDK13 protein (p.Cys902Tyr). This variant is not present in population databases (gnomAD no frequency). This variant has not been reported in the literature in individuals affected with CDK13-related conditions. An algorithm developed to predict the effect of missense changes on protein structure and function (PolyPhen-2) suggests that this variant is likely to be disruptive. In summary, the available evidence is currently insufficient to determine the role of this variant in disease. Therefore, it has been classified as a Variant of Uncertain Significance.

NM_003718.5(CDK13):c.2705G>A (p.Cys902Tyr)

Gene: CDK13 (cyclin dependent kinase 13; plus strand). Cytogenetic location: 7p14.1.
Variant type: single nucleotide variant.
Coding change: c.2705G>A on transcript NM_003718.5 (MANE Select); coding-DNA position 2705, G replaced by A.
Protein change: p.Cys902Tyr; replaces cysteine 902 with tyrosine.
Molecular consequence: missense variant.
Genome position (GRCh38, 1-based): chr7:40,063,025, G>A. VCF-style: chr7-40063025-G-A. GRCh37 (hg19) VCF-style: chr7-40102624-G-A.
Other names: c.2705G>A, p.Cys902Tyr (NM_031267.4); short protein forms C902Y.
Identifiers: ClinVar variation 3641416 (VCV003641416.2).